The following is an entry in ClinVar:

ClinVar aggregate classification (germline): Benign. Review status: reviewed by expert panel (3 of 4 stars). 18 submissions from 18 submitters: Benign (1). 17 of the submissions do not count toward it. Last evaluated 2015-08-10.

Conditions:
Breast and/or ovarian cancer. Identifiers: MedGen CN221562.
Hereditary cancer-predisposing syndrome. Also called: Tumor predisposition; Neoplastic Syndromes, Hereditary; Hereditary Cancer Syndrome; Hereditary neoplastic syndrome. Identifiers: Orphanet 140162, MedGen C0027672, MeSH D009386, MONDO:0015356.
Hereditary breast ovarian cancer syndrome. Also called: Hereditary breast and ovarian cancer syndrome (HBOC); Hereditary breast and ovarian cancer syndrome; Hereditary breast and ovarian cancer; Hereditary breast and/or ovarian cancer syndrome; Breast and ovarian cancer; BRCA1- and BRCA2-Associated Hereditary Breast and Ovarian Cancer. Identifiers: Orphanet 145, MedGen C0677776, MeSH D061325, MONDO:0003582. Disease mechanism: loss of function.
Breast-ovarian cancer, familial, susceptibility to, 1 (BROVCA1). Also called: OVARIAN CANCER, SUSCEPTIBILITY TO; BRCA1 Hereditary Breast and Ovarian Cancer. Identifiers: Orphanet 145, MedGen C2676676, MONDO:0011450, OMIM 604370. Disease mechanism: loss of function.

Allele frequency attached by ClinVar (database versions not stated): gnomAD 0.00005 and 0.00006; gnomAD exomes 0.00007 and 0.00012; ExAC 0.00008; TOPMed 0.00011; ESP Exome Variant Server 0.00015.
gnomAD v4.1: 189 of 1,613,522 alleles (0.012%); highest among the groups gnomAD compares: Non-Finnish European, 0.014%; no homozygotes.

Submissions (18):

Evidence-based Network for the Interpretation of Germline Mutant Alleles (ENIGMA)
Classification: Benign for Breast-ovarian cancer, familial 1. Last evaluated: 2015-08-10. Review status: reviewed by expert panel. Criteria: ENIGMA BRCA1/2 Classification Criteria (2015). Collection method: curation. Allele origin: germline.
Comment: IARC class based on posterior probability from multifactorial likelihood analysis, thresholds for class as per Plon et al. 2008 (PMID: 18951446). Class 1 based on posterior probability = 0.000000000000233

Labcorp Genetics (formerly Invitae), Labcorp
Classification: Benign for Hereditary breast ovarian cancer syndrome. Last evaluated: 2026-02-01. Review status: criteria provided, single submitter. Criteria: Invitae Variant Classification Sherloc (09022015). Collection method: clinical testing. Allele origin: germline. Not counted in ClinVar's aggregate classification.

Dasa
Classification: Likely benign for Breast-ovarian cancer, familial, susceptibility to, 1. Last evaluated: 2025-12-10. Review status: criteria provided, single submitter. Criteria: DASA Assertion Criteria. Collection method: clinical testing. Allele origin: germline. Not counted in ClinVar's aggregate classification.
Comment: NM_007294.4(BRCA1):c.2428A>T (p.Asn810Tyr) is interpreted based on available population and clinical evidence, including population frequency and no convincing observation in affected individuals. Based on the available data, this variant is classified as likely benign.

Mayo Clinic Laboratories, Mayo Clinic
Classification: Likely benign. Last evaluated: 2025-11-25. Review status: criteria provided, single submitter. Criteria: ACMG Guidelines, 2015. Collection method: clinical testing. Allele origin: germline. Observed: 2 variant alleles. Not counted in ClinVar's aggregate classification.
Comment: BS1_supporting, BP1_strong

ARUP Laboratories, Molecular Genetics and Genomics, ARUP Laboratories
Classification: Benign. Last evaluated: 2025-04-03. Review status: criteria provided, single submitter. Criteria: ARUP Molecular Germline Variant Investigation Process 2024. Collection method: clinical testing. Allele origin: germline. Not counted in ClinVar's aggregate classification.

Center for Genomic Medicine, Rigshospitalet, Copenhagen University Hospital
Classification: Benign. Last evaluated: 2025-03-04. Review status: criteria provided, single submitter. Criteria: ACMG Guidelines, 2015. Collection method: clinical testing. Allele origin: germline. Not counted in ClinVar's aggregate classification.

CHEO Genetics Diagnostic Laboratory, Children's Hospital of Eastern Ontario
Classification: Likely benign for Breast and/or ovarian cancer. Last evaluated: 2022-09-27. Review status: criteria provided, single submitter. Criteria: ACMG Guidelines, 2015. Collection method: clinical testing. Allele origin: germline. Not counted in ClinVar's aggregate classification.

Sema4
Classification: Benign for Hereditary cancer-predisposing syndrome. Last evaluated: 2020-11-01. Review status: criteria provided, single submitter. Criteria: Sema4 Curation Guidelines. Collection method: curation. Allele origin: germline. Not counted in ClinVar's aggregate classification.

Genetic Services Laboratory, University of Chicago
Classification: Likely benign. Last evaluated: 2020-05-18. Review status: criteria provided, single submitter. Criteria: ACMG Guidelines, 2015. Collection method: clinical testing. Allele origin: germline. Affected: no. Not counted in ClinVar's aggregate classification.

PreventionGenetics, part of Exact Sciences
Classification: Benign. Last evaluated: 2017-10-12. Review status: criteria provided, single submitter. Criteria: ACMG Guidelines, 2015. Collection method: clinical testing. Allele origin: germline. Not counted in ClinVar's aggregate classification.

Color Diagnostics, LLC DBA Color Health
Classification: Benign for Hereditary cancer-predisposing syndrome. Last evaluated: 2015-12-30. Review status: criteria provided, single submitter. Criteria: ACMG Guidelines, 2015. Collection method: clinical testing. Allele origin: germline. Not counted in ClinVar's aggregate classification.

Ambry Genetics
Classification: Benign for Hereditary cancer-predisposing syndrome. Last evaluated: 2014-11-18. Review status: criteria provided, single submitter. Criteria: Ambry Variant Classification Scheme 2023. Collection method: clinical testing. Allele origin: germline. Not counted in ClinVar's aggregate classification.

GeneDx
Classification: Benign. Last evaluated: 2014-02-26. Review status: criteria provided, single submitter. Criteria: GeneDx Variant Classification (06012015). Collection method: clinical testing. Allele origin: germline. Affected: yes. Not counted in ClinVar's aggregate classification.
Comment: This variant is considered likely benign or benign based on one or more of the following criteria: it is a conservative change, it occurs at a poorly conserved position in the protein, it is predicted to be benign by multiple in silico algorithms, and/or has population frequency not consistent with disease.

Counsyl
Classification: Likely benign for Breast-ovarian cancer, familial 1. Last evaluated: 2014-12-22. Review status: no assertion criteria provided. Collection method: literature only. Allele origin: unknown. Inheritance: Autosomal dominant inheritance. Not counted in ClinVar's aggregate classification.

Pathway Genomics
Classification: Benign for hereditary breast and ovarian cancer, BROVCA1. Last evaluated: 2014-12-10. Review status: no assertion criteria provided. Collection method: clinical testing. Allele origin: germline. Observed: 1 variant allele. Not counted in ClinVar's aggregate classification.

Sharing Clinical Reports Project (SCRP)
Classification: Benign for Breast-ovarian cancer, familial 1. Last evaluated: 2012-05-01. Review status: no assertion criteria provided. Collection method: clinical testing. Allele origin: germline. Not counted in ClinVar's aggregate classification.

Breast Cancer Information Core (BIC) (BRCA1)
Classification: Uncertain significance for Breast-ovarian cancer, familial 1. Last evaluated: 2002-05-29. Review status: no assertion criteria provided. Collection method: clinical testing. Allele origin: germline, somatic. Affected: yes. Observed: 13 variant alleles. Not counted in ClinVar's aggregate classification.

Department of Pathology and Laboratory Medicine, Sinai Health System
Classification: Likely benign. Review status: no assertion criteria provided. Collection method: clinical testing. Allele origin: unknown. Affected: yes. Study: The Canadian Open Genetics Repository (COGR). Not counted in ClinVar's aggregate classification.
Comment: The BRCA1 p.Asn810Tyr variant was identified in 1 of 200 proband chromosomes (frequency: 0.005) from individuals or families with breast cancer (Peixoto 2006,). The variant was identified in dbSNP (rs28897682) as â€šÃ„Ãºwith benign alleleâ€šÃ„Ã¹, ClinVar (classified as benign by Invitae, GeneDx, Ambry Genetics, Color and 4 other submitters; as likely benign by Counsyl; and as uncertain significance by BIC), LOVD 3.0 (observed 15x) and UMD-LSDB (observed 19x). The variant was identified in control databases in 17 of 245,294 chromosomes at a frequency of 0.00007 (Genome Aggregation Database Feb 27, 2017). The variant was observed in the following populations: Latino in 5 of 33,562 chromosomes (freq: 0.0001), European in 12 of 111,138 chromosomes (freq: 0.0001), while the variant was not observed in the African, Other, Ashkenazi Jewish, East Asian, Finnish, or South Asian populations. The variant was observed in trans with a co-occurring pathogenic BRCA1 variant (c.3748 G>T, p.Glu1250*; Judkins 2005). Additionally, the variant was reported in the UMD-LSDB database as co-occurring with a pathogenic BRCA1 variant (c.2359dup, p.Glu787Glyfs*3). In a complementation assay in BRCA1-deficient mouse embryonic stem cells, the variant was demonstrated to have no observed effect on cell proliferation and sensitivity to cisplatin indicating the variant protein activity was sufficient to complement the BRCA1 null cells (Bouwman 2013). The p.Asn810 residue is not conserved in mammals and computational analyses (PolyPhen-2, SIFT, AlignGVGD, BLOSUM, MutationTaster) provide inconsistent predictions regarding the impact to the protein; this information is not very predictive of pathogenicity. The variant occurs outside of the splicing consensus sequence and in silico or computational prediction software programs (SpliceSiteFinder, MaxEntScan, NNSPLICE, GeneSplicer) do not predict a difference in splicing. In summary, based on the above information, the clinical significance of this variant cannot be determined with certainty at this time although we would lean towards a more benign role for this variant. This variant is classified as likely benign.

Literature cited by the submitters: PubMed 21990134 (cited by Evidence-based Network for the Interpretation of Germline Mutant Alleles (ENIGMA) and Pathway Genomics); PubMed 17924331 (cited by Counsyl and Pathway Genomics); PubMed 16267036 (cited by Counsyl and Pathway Genomics); PubMed 16826315 (cited by Counsyl); PubMed 23867111 (cited by Counsyl).

NM_007294.4(BRCA1):c.2428A>T (p.Asn810Tyr)

Gene: BRCA1 (BRCA1 DNA repair associated; minus strand). Cytogenetic location: 17q21.31.
Variant type: single nucleotide variant.
Coding change: c.2428A>T on transcript NM_007294.4 (MANE Select); coding-DNA position 2428, A replaced by T.
Protein change: p.Asn810Tyr; replaces asparagine 810 with tyrosine.
Molecular consequence: missense variant. On other transcripts: intron variant (137).
Genome position (GRCh38, 1-based): chr17:43,093,103, T>A on the plus strand (A>T on the coding strand, the complement: BRCA1 is on the minus strand). VCF-style: chr17-43093103-T-A. GRCh37 (hg19) VCF-style: chr17-41245120-T-A.
Other names: p.N810Y:AAC>TAC; 2547A>T; c.2428A>T, p.Asn810Tyr (NM_001407625.1, NM_001407626.1, NM_001407639.1 and 30 more transcripts); c.2425A>T, p.Asn809Tyr (NM_001407627.1, NM_001407628.1, NM_001407629.1 and 22 more transcripts); c.2419A>T, p.Asn807Tyr (NM_001407646.1, NM_001407647.1); c.2305A>T, p.Asn769Tyr (NM_001407648.1, NM_001407664.1, NM_001407665.1 and 19 more transcripts); c.2302A>T, p.Asn768Tyr (NM_001407649.1, NM_001407670.1, NM_001407671.1 and 11 more transcripts); c.2350A>T, p.Asn784Tyr (NM_001407653.1, NM_001407654.1, NM_001407655.1 and 4 more transcripts); and 43 more; short protein forms N810Y, N763Y, N642Y, N721Y, N722Y, N768Y, N769Y, N809Y.
Identifiers: ClinVar variation 54567 (VCV000054567.39), dbSNP rs28897682, ClinGen allele CA001621.
Genomic context (GRCh38, chr17:43,093,103, plus strand): 5'-TAAAGCCTTCTGTGTCATTTCTATTATCTTTGGAACAACCATGAATTAGTCCCTTGGGGT[T>A]TTCAAATGCTGCACACTGACTCACACATTTATTTGGTTCTGTTTTTGCCTTCCCTAGAGT-3'
Protein context (NP_009225.1, residues 800-820): KCVSQCAAFE[Asn810Tyr]PKGLIHGCSK